The following is an entry in ClinVar:

NM_018136.5(ASPM):c.9636+102C>T

Gene: ASPM (assembly factor for spindle microtubules; minus strand). Cytogenetic location: 1q31.3.
Variant type: single nucleotide variant.
Coding change: c.9636+102C>T on transcript NM_018136.5 (MANE Select); 102 bases into the intron after coding-DNA position 9636, C replaced by T.
Molecular consequence: intron variant.
Genome position (GRCh38, 1-based): chr1:197,090,748, G>A on the plus strand (C>T on the coding strand, the complement: ASPM is on the minus strand). VCF-style: chr1-197090748-G-A. GRCh37 (hg19) VCF-style: chr1-197059878-G-A.
Other names: c.4881+102C>T (NM_001206846.2).
Identifiers: ClinVar variation 673924 (VCV000673924.2), dbSNP rs4915315, ClinGen allele CA10931536.

ClinVar aggregate classification (germline): Benign. Review status: criteria provided, multiple submitters, no conflicts (2 of 4 stars). 2 submissions from 2 submitters: Benign (2). Last evaluated 2018-06-19.

Allele frequency attached by ClinVar (database versions not stated): TOPMed 0.75039; 1000 Genomes Project 30x 0.75500; gnomAD 0.75691 and 0.76847; 1000 Genomes Project 0.76897; gnomAD exomes 0.89529.
gnomAD v4.1: 977,548 of 1,114,100 alleles (88%); highest among the groups gnomAD compares: East Asian, 98%; 437,202 homozygotes.

Submissions (2):

GeneDx
Classification: Benign. Last evaluated: 2018-06-19. Review status: criteria provided, single submitter. Criteria: GeneDx Variant Classification (06012015). Collection method: clinical testing. Allele origin: germline. Affected: yes.
Comment: This variant is considered likely benign or benign based on one or more of the following criteria: it is a conservative change, it occurs at a poorly conserved position in the protein, it is predicted to be benign by multiple in silico algorithms, and/or has population frequency not consistent with disease.

Breakthrough Genomics
Classification: Benign. Review status: criteria provided, single submitter. Criteria: ACMG Guidelines, 2015. Collection method: not provided. Allele origin: germline. Inheritance: Autosomal recessive inheritance. Affected: yes.